The following is an entry in ClinVar:

NM_032043.3(BRIP1):c.2831dup (p.Glu945fs)

Gene: BRIP1 (BRCA1 interacting DNA helicase 1; minus strand). Cytogenetic location: 17q23.2.
Variant type: Duplication.
Coding change: c.2831dup on transcript NM_032043.3 (MANE Select); coding-DNA position 2831, one base duplicated (A; older notation c.2831dupA).
Protein change: p.Glu945fs; shifts the reading frame from glutamic acid 945.
Molecular consequence: frameshift variant.
Genome position (GRCh38, 1-based): chr17:61,685,910, T duplicated on the plus strand (A on the coding strand, the reverse complement: BRIP1 is on the minus strand). VCF-style (leftmost placement, unchanged base first): chr17-61685909-C-CT. GRCh37 (hg19) VCF-style: chr17-59763270-C-CT.
Other names: short protein forms E945fs.
Identifiers: ClinVar variation 2943378 (VCV002943378.3), dbSNP rs2544570534, ClinGen allele CA2740093842.

ClinVar aggregate classification (germline): Pathogenic (1 of 4 stars; one submission).

Conditions:
Fanconi anemia complementation group J. Also called: BRIP1-Related Fanconi Anemia. Identifiers: Orphanet 84, MedGen C1836860, MONDO:0012187, OMIM 609054.
Familial cancer of breast. Also called: BREAST CANCER, FAMILIAL; Hereditary breast cancer; hereditary breast carcinoma. Identifiers: Orphanet 227535, MedGen C0346153, MONDO:0016419, OMIM 114480. Disease mechanism: loss of function.

Submission:

Labcorp Genetics (formerly Invitae), Labcorp
Classification: Pathogenic for Familial cancer of breast; Fanconi anemia complementation group J. Last evaluated: 2023-01-18. Review status: criteria provided, single submitter. Criteria: Invitae Variant Classification Sherloc (09022015). Collection method: clinical testing. Allele origin: germline.
Comment: For these reasons, this variant has been classified as Pathogenic. This variant has not been reported in the literature in individuals affected with BRIP1-related conditions. This variant is not present in population databases (gnomAD no frequency). This sequence change creates a premature translational stop signal (p.Glu945Glyfs*6) in the BRIP1 gene. It is expected to result in an absent or disrupted protein product. Loss-of-function variants in BRIP1 are known to be pathogenic (PMID: 16116423, 17033622, 21964575).

Literature cited by the submitters: PubMed 16116423; PubMed 17033622; PubMed 21964575.